The following is an entry in ClinVar:

NM_024675.4(PALB2):c.1417_1433del (p.Pro473fs)

Gene: PALB2 (partner and localizer of BRCA2; minus strand). Cytogenetic location: 16p12.2.
Variant type: Deletion.
Coding change: c.1417_1433del on transcript NM_024675.4 (MANE Select); coding-DNA positions 1417 to 1433, 17 bases deleted (CCAAGTTCAAGAACCTC).
Protein change: p.Pro473fs; shifts the reading frame from proline 473.
Molecular consequence: frameshift variant. On other transcripts: intron variant (3).
Genome position (GRCh38, 1-based): chr16:23,635,113-23,635,129, GAGGTTCTTGAACTTGG deleted on the plus strand (CCAAGTTCAAGAACCTC on the coding strand, the reverse complement: PALB2 is on the minus strand). VCF-style (leftmost placement, unchanged base first): chr16-23635112-AGAGGTTCTTGAACTTGG-A. GRCh37 (hg19) VCF-style: chr16-23646433-AGAGGTTCTTGAACTTGG-A.
Other names: c.1357_1373del, p.Pro453fs (NM_001407296.1); c.1417_1433del, p.Pro473fs (NM_001407297.1, NM_001407298.1, NM_001407299.1 and 3 more transcripts); c.532_548del, p.Pro178fs (NM_001407304.1, NM_001407305.1, NM_001407306.1 and 5 more transcripts); c.49-5854_49-5838del (NM_001407314.1); c.-104-4660_-104-4644del (NM_001407313.1, NM_001407312.1); short protein forms P178fs, P453fs, P473fs.
Identifiers: ClinVar variation 2573289 (VCV002573289.1), dbSNP rs2506477730, ClinGen allele CA2580612745.

ClinVar aggregate classification (germline): Pathogenic (1 of 4 stars; one submission).

Conditions:
Familial cancer of breast. Also called: hereditary breast carcinoma; Hereditary breast cancer; BREAST CANCER, FAMILIAL. Identifiers: Orphanet 227535, MedGen C0346153, MONDO:0016419, OMIM 114480. Disease mechanism: loss of function.

Submission:

Myriad Genetics, Inc.
Classification: Pathogenic for Familial cancer of breast. Last evaluated: 2023-02-08. Review status: criteria provided, single submitter. Criteria: Myriad Autosomal Dominant, Autosomal Recessive and X-Linked Classification Criteria (2023). Collection method: clinical testing. Allele origin: unknown.
Comment: This variant is considered pathogenic. This variant creates a frameshift predicted to result in premature protein truncation.